The following is an entry in ClinVar:

NM_004612.4(TGFBR1):c.111C>T (p.Phe37=)

Gene: TGFBR1 (transforming growth factor beta receptor 1; plus strand). Cytogenetic location: 9q22.33.
Variant type: single nucleotide variant.
Coding change: c.111C>T on transcript NM_004612.4 (MANE Select); coding-DNA position 111, C replaced by T.
Protein change: p.Phe37=; no amino-acid change (phenylalanine 37 retained).
Molecular consequence: synonymous variant. On other transcripts: non-coding transcript variant (4), intron variant (3), 5 prime UTR variant (15).
Genome position (GRCh38, 1-based): chr9:99,128,868, C>T. VCF-style: chr9-99128868-C-T. GRCh37 (hg19) VCF-style: chr9-101891150-C-T.
Other names: c.98-3641C>T (NM_001407436.1); c.98-8991C>T (NM_001407438.1); c.98-13668C>T (NM_001407437.1); c.111C>T, p.Phe37= (NM_001130916.3, NM_001306210.2, NM_001407416.1 and 2 more transcripts); c.-97C>T (NM_001407418.1, NM_001407419.1, NM_001407420.1 and 12 more transcripts).
Identifiers: ClinVar variation 4757121 (VCV004757121.5).
Genomic context (GRCh38, chr9:99,128,868, plus strand): 5'-AACTGTTAACCTTGAGATTTTTTCTAAGAATCTTTCTCTTTTTCCAGCGTTACAGTGTTT[C>T]TGCCACCTCTGTACAAAAGACAATTTTACTTGTGTGACAGATGGGCTCTGCTTTGTCTCT-3'
Protein context (NP_004603.1, residues 27-47): LLPGATALQC[Phe37=]CHLCTKDNFT

ClinVar aggregate classification (germline): Uncertain significance. Review status: criteria provided, multiple submitters, no conflicts (2 of 4 stars). 2 submissions from 2 submitters: Uncertain significance (2). Last evaluated 2026-01-01.

Conditions:
Familial thoracic aortic aneurysm and aortic dissection (TAAD). Also called: Thoracic aortic aneurysms and dissections. Identifiers: Orphanet 91387, MedGen C4707243, MONDO:0019625.

Submissions (2):

CeGaT Center for Human Genetics Tuebingen
Classification: Uncertain significance. Last evaluated: 2026-01-01. Review status: criteria provided, single submitter. Criteria: CeGaT Center For Human Genetics Tuebingen Variant Classification Criteria Version 2. Collection method: clinical testing. Allele origin: germline. Affected: yes. Observed: 1 variant allele.
Comment: TGFBR1: PM2:Supporting, BP4

Color Diagnostics, LLC DBA Color Health
Classification: Uncertain significance for Familial thoracic aortic aneurysm and aortic dissection. Last evaluated: 2025-06-09. Review status: criteria provided, single submitter. Criteria: ACMG Guidelines, 2015. Collection method: clinical testing. Allele origin: germline.
Comment: This variant is located in the TGFBR1 protein. To our knowledge, functional studies have not been reported for this variant. This variant has not been reported in individuals affected with TGFBR1-related disorders in the literature. This variant has not been identified in the general population by the Genome Aggregation Database (gnomAD). The available evidence is insufficient to determine the role of this variant in disease conclusively. Therefore, this variant is classified as a Variant of Uncertain Significance.